The following is an entry in ClinVar:

NM_006363.6(SEC23B):c.2262del (p.Phe754fs)

Gene: SEC23B (SEC23 homolog B, COPII component; plus strand). Cytogenetic location: 20p11.23.
Variant type: Deletion.
Coding change: c.2262del on transcript NM_006363.6 (MANE Select); coding-DNA position 2262, one base deleted (C; older notation c.2262delC).
Protein change: p.Phe754fs; shifts the reading frame from phenylalanine 754.
Molecular consequence: frameshift variant.
Genome position (GRCh38, 1-based): chr20:18,560,698, C deleted. VCF-style (leftmost placement, unchanged base first): chr20-18560697-TC-T. GRCh37 (hg19) VCF-style: chr20-18541341-TC-T.
Other names: c.2262del, p.Phe754fs (NM_001172745.3, NM_032985.6, NM_032986.5); c.2208del, p.Phe736fs (NM_001172746.3); short protein forms F736fs, F754fs.
Identifiers: ClinVar variation 2925653 (VCV002925653.3), dbSNP rs2517531900, ClinGen allele CA2652046516.

ClinVar aggregate classification (germline): Likely pathogenic (1 of 4 stars; one submission).

Conditions:
Congenital dyserythropoietic anemia, type II (CDAN2). Also called: DYSERYTHROPOIETIC ANEMIA, HEMPAS TYPE. Identifiers: Orphanet 98873, MedGen C1306589, MONDO:0009134, OMIM 224100.
Cowden syndrome 7 (CWS7). Identifiers: Orphanet 201, MedGen C4225179, MONDO:0014802, OMIM 616858.

Allele frequency attached by ClinVar (database versions not stated): gnomAD exomes 0.00001.

Submission:

Labcorp Genetics (formerly Invitae), Labcorp
Classification: Likely pathogenic for Congenital dyserythropoietic anemia, type II; Cowden syndrome 7. Last evaluated: 2023-02-06. Review status: criteria provided, single submitter. Criteria: Invitae Variant Classification Sherloc (09022015). Collection method: clinical testing. Allele origin: germline.
Comment: This variant is not present in population databases (gnomAD no frequency). This sequence change creates a premature translational stop signal (p.Phe754Leufs*5) in the SEC23B gene. While this is not anticipated to result in nonsense mediated decay, it is expected to disrupt the last 14 amino acid(s) of the SEC23B protein. This premature translational stop signal has been observed in individuals with congenital dyserythropoietic anemia, type II (PMID: 27471141). This variant disrupts a region of the SEC23B protein in which other variant(s) (p.His747Pro) have been observed in individuals with SEC23B-related conditions (PMID: 20941788). This suggests that this is a clinically significant region of the protein, and that variants that disrupt it are likely to be disease-causing. In summary, the currently available evidence indicates that the variant is pathogenic, but additional data are needed to prove that conclusively. Therefore, this variant has been classified as Likely Pathogenic.

Literature cited by the submitters: PubMed 27471141; PubMed 20941788.